The following is an entry in ClinVar:

ClinVar aggregate classification (germline): Uncertain significance. Review status: criteria provided, multiple submitters, no conflicts (2 of 4 stars). 3 submissions from 3 submitters: Uncertain significance (3). Last evaluated 2025-12-27.

Conditions:
Neuroblastoma, susceptibility to, 3. Also called: ALK-Related Neuroblastic Tumor Susceptibility. Identifiers: Orphanet 635, MedGen C2751681, MONDO:0013083, OMIM 613014.
Hereditary cancer-predisposing syndrome. Also called: Neoplastic Syndromes, Hereditary; Hereditary neoplastic syndrome; Tumor predisposition; Hereditary Cancer Syndrome. Identifiers: Orphanet 140162, MedGen C0027672, MeSH D009386, MONDO:0015356.

Allele frequency attached by ClinVar (database versions not stated): gnomAD exomes below 0.00001; TOPMed below 0.00001.
gnomAD v4.1: 2 of 1,614,064 alleles (0.00012%); highest among the groups gnomAD compares: Non-Finnish European, 0.00017%; no homozygotes.

Submissions (3):

Labcorp Genetics (formerly Invitae), Labcorp
Classification: Uncertain significance for Neuroblastoma, susceptibility to, 3. Last evaluated: 2025-12-27. Review status: criteria provided, single submitter. Criteria: Invitae Variant Classification Sherloc (09022015). Collection method: clinical testing. Allele origin: germline.
Comment: This sequence change replaces glutamic acid, which is acidic and polar, with lysine, which is basic and polar, at codon 1154 of the ALK protein (p.Glu1154Lys). This variant is present in population databases (no rsID available, gnomAD 0.0009%). This variant has not been reported in the literature in individuals affected with ALK-related conditions. ClinVar contains an entry for this variant (Variation ID: 660309). An algorithm developed to predict the effect of missense changes on protein structure and function (PolyPhen-2) suggests that this variant is likely to be disruptive. In summary, the available evidence is currently insufficient to determine the role of this variant in disease. Therefore, it has been classified as a Variant of Uncertain Significance.

Ambry Genetics
Classification: Uncertain significance for Hereditary cancer-predisposing syndrome. Last evaluated: 2025-12-15. Review status: criteria provided, single submitter. Criteria: Ambry Variant Classification Scheme 2023. Collection method: clinical testing. Allele origin: germline.
Comment: The p.E1154K variant (also known as c.3460G>A), located in coding exon 22 of the ALK gene, results from a G to A substitution at nucleotide position 3460. The glutamic acid at codon 1154 is replaced by lysine, an amino acid with similar properties. This amino acid position is highly conserved in available vertebrate species. In addition, the in silico prediction for this alteration is inconclusive. Since supporting evidence is limited at this time, the clinical significance of this alteration remains unclear.

GeneDx
Classification: Uncertain significance. Last evaluated: 2024-04-04. Review status: criteria provided, single submitter. Criteria: GeneDx Variant Classification Process June 2021. Collection method: clinical testing. Allele origin: germline. Affected: yes.
Comment: Not observed at significant frequency in large population cohorts (gnomAD); In silico analysis supports that this missense variant has a deleterious effect on protein structure/function; Has not been previously published as pathogenic or benign to our knowledge; This variant is associated with the following publications: (PMID: 31585938, 31446141, 38448512)

NM_004304.5(ALK):c.3460G>A (p.Glu1154Lys)

Gene: ALK (ALK receptor tyrosine kinase; minus strand). Cytogenetic location: 2p23.2.
Variant type: single nucleotide variant.
Coding change: c.3460G>A on transcript NM_004304.5 (MANE Select); coding-DNA position 3460, G replaced by A.
Protein change: p.Glu1154Lys; replaces glutamic acid 1154 with lysine.
Molecular consequence: missense variant.
Genome position (GRCh38, 1-based): chr2:29,222,399, C>T on the plus strand (G>A on the coding strand, the complement: ALK is on the minus strand). VCF-style: chr2-29222399-C-T. GRCh37 (hg19) VCF-style: chr2-29445265-C-T.
Other names: c.256G>A, p.Glu86Lys (NM_001353765.2); short protein forms E86K, E1154K.
Identifiers: ClinVar variation 660309 (VCV000660309.13), dbSNP rs1005846150, ClinGen allele CA346463289.